The following is an entry in ClinVar:

NM_175914.5(HNF4A):c.50-4573A>C

Gene: HNF4A (hepatocyte nuclear factor 4 alpha; plus strand). Cytogenetic location: 20q13.12.
Variant type: single nucleotide variant.
Coding change: c.50-4573A>C on transcript NM_175914.5 (MANE Select); 4573 bases into the intron before coding-DNA position 50, A replaced by C.
Molecular consequence: intron variant. On other transcripts: missense variant (4), initiator codon variant (1).
Genome position (GRCh38, 1-based): chr20:44,401,485, A>C. VCF-style: chr20-44401485-A-C. GRCh37 (hg19) VCF-style: chr20-43030125-A-C.
Other names: NM_175914.5:c.50-4573A>C; c.113A>C, p.Asn38Thr (NM_000457.6, NM_178849.3, NM_178850.3); c.1A>C, p.Met1Leu (NM_001258355.2); c.41-4573A>C (NM_001287182.2, NM_001287183.2, NM_001287184.2); c.50-4573A>C (NM_001030003.3, NM_001030004.3); short protein forms M1L, N38T.
Identifiers: ClinVar variation 3383935 (VCV003383935.1).
Genomic context (GRCh38, chr20:44,401,485, plus strand): 5'-CACTGGACCCAGCCTACACCACCCTGGAATTTGAGAATGTGCAGGTGTTGACGATGGGCA[A>C]TGGTAGGTGGGGGCAGATGTGCCCAGGTGTGCCAGTGGGGGCAGGTGTGCCTGGGTCCAG-3'

ClinVar aggregate classification (germline): Benign (3 of 4 stars; one submission).

Conditions:
Monogenic diabetes. Identifiers: Orphanet 183625, MedGen C3888631, MONDO:0015967.

gnomAD v4.1: 98 of 1,614,046 alleles (0.0061%); highest among the groups gnomAD compares: East Asian, 0.22%; 1 homozygote.

Submission:

ClinGen Monogenic Diabetes Variant Curation Expert Panel
Classification: Benign for Monogenic diabetes. Last evaluated: 2024-12-02. Review status: reviewed by expert panel. Criteria: ClinGen Diabetes ACMG Specifications HNF4A V2.0.0. Collection method: curation. Allele origin: germline. Inheritance: Autosomal dominant inheritance.
Comment: The c.50-4573A>C variant in the hepatocyte nuclear factor 4-alpha gene, HNF4A, is a single nucleotide variant within intron 1 of NM_175914.5. This variant has a Grpmax Filtering allele frequency in gnomAD 2.1.1 of 0.00014, which is greater than the MDEP threshold for BA1 (0.0001) (BA1). In summary, c.50-4573A>C meets the criteria to be classified as benign for monogenic diabetes. ACMG/AMP criteria applied, as specified by the ClinGen MDEP (specification version 2.0.0 approved 10/11/2023): BA1.